The following is an entry in ClinVar:

NM_000282.4(PCCA):c.1590A>G (p.Ser530=)

Gene: PCCA (propionyl-CoA carboxylase subunit alpha; plus strand). Cytogenetic location: 13q32.3.
Variant type: single nucleotide variant.
Coding change: c.1590A>G on transcript NM_000282.4 (MANE Select); coding-DNA position 1590, A replaced by G.
Protein change: p.Ser530=; no amino-acid change (serine 530 retained).
Molecular consequence: synonymous variant. On other transcripts: non-coding transcript variant (5).
Genome position (GRCh38, 1-based): chr13:100,340,206, A>G. VCF-style: chr13-100340206-A-G. GRCh37 (hg19) VCF-style: chr13-100992460-A-G.
Other names: c.1512A>G, p.Ser504= (NM_001127692.3, NM_001352607.2); c.1590A>G (NM_000282.3); c.1590A>G, p.Ser530= (NM_001178004.2, NM_001352605.2, NM_001352609.2); c.1446A>G, p.Ser482= (NM_001352606.2); c.1368A>G, p.Ser456= (NM_001352608.2); c.645A>G, p.Ser215= (NM_001352610.2, NM_001352611.2); c.501A>G, p.Ser167= (NM_001352612.2).
Identifiers: ClinVar variation 1142858 (VCV001142858.11), dbSNP rs2152751916, ClinGen allele CA484745162.

ClinVar aggregate classification (germline): Likely benign. Review status: criteria provided, single submitter (1 of 4 stars). 2 submissions from 2 submitters: Likely benign (1). 1 of the submissions does not count toward it. Last evaluated 2023-05-01.

Conditions:
PCCA-related disorder. Also called: PCCA-related condition.
Propionic acidemia (PROP). Also called: GLYCINEMIA, KETOTIC; HYPERGLYCINEMIA WITH KETOACIDOSIS AND LEUKOPENIA; KETOTIC HYPERGLYCINEMIA. Identifiers: Orphanet 35, MedGen C0268579, MONDO:0011628, OMIM 606054, HP:0003571.

gnomAD v4.1: 2 of 1,612,258 alleles (0.00012%); highest among the groups gnomAD compares: Non-Finnish European, 0.000085%; no homozygotes.

Submissions (2):

Labcorp Genetics (formerly Invitae), Labcorp
Classification: Likely benign for Propionic acidemia. Last evaluated: 2023-05-01. Review status: criteria provided, single submitter. Criteria: Invitae Variant Classification Sherloc (09022015). Collection method: clinical testing. Allele origin: germline.

PreventionGenetics, part of Exact Sciences
Classification: Likely benign for PCCA-related condition. Last evaluated: 2021-06-22. Review status: no assertion criteria provided. Collection method: clinical testing. Allele origin: germline. Not counted in ClinVar's aggregate classification.
Comment: This variant is classified as likely benign based on ACMG/AMP sequence variant interpretation guidelines (Richards et al. 2015 PMID: 25741868, with internal and published modifications).